The following is an entry in ClinVar:

ClinVar aggregate classification (germline): Uncertain significance (1 of 4 stars; one submission).

Conditions:
BRWD1-related disorder. Also called: BRWD1-related condition.

Submission:

PreventionGenetics, part of Exact Sciences
Classification: Uncertain significance for BRWD1-related condition. Last evaluated: 2022-09-07. Review status: criteria provided, single submitter. Criteria: ACMG Guidelines, 2015. Collection method: clinical testing. Allele origin: germline.
Comment: The BRWD1 c.1454T>A variant is predicted to result in premature protein termination (p.Leu485*). To our knowledge, this variant has not been reported in the literature or in a large population database, indicating this variant is rare. Loss-of-function has not been established as a disease mechanism for this gene, and therefore the clinical significance of this variant is currently uncertain due to the absence of conclusive functional and genetic evidence.

NM_033656.4(BRWD1):c.1454T>A (p.Leu485Ter)

Gene: BRWD1 (bromodomain and WD repeat domain containing 1; minus strand). Cytogenetic location: 21q22.2.
Variant type: single nucleotide variant.
Coding change: c.1454T>A on transcript NM_033656.4 (MANE Select); coding-DNA position 1454, T replaced by A.
Protein change: p.Leu485Ter; replaces leucine 485 with a stop codon.
Molecular consequence: nonsense.
Genome position (GRCh38, 1-based): chr21:39,269,975, A>T on the plus strand (T>A on the coding strand, the complement: BRWD1 is on the minus strand). VCF-style: chr21-39269975-A-T. GRCh37 (hg19) VCF-style: chr21-40641901-A-T.
Other names: c.1454T>A, p.Leu485Ter (NM_018963.5); short protein forms L485*.
Identifiers: ClinVar variation 2636628 (VCV002636628.1), dbSNP rs2517091615, ClinGen allele CA409961451.